The following is an entry in ClinVar:

ClinVar aggregate classification (germline): Uncertain significance (1 of 4 stars; one submission).

Submission:

GeneDx
Classification: Uncertain significance. Last evaluated: 2024-03-11. Review status: criteria provided, single submitter. Criteria: GeneDx Variant Classification Process June 2021. Collection method: clinical testing. Allele origin: germline. Affected: yes.
Comment: Not observed at significant frequency in large population cohorts (gnomAD); In silico analysis supports that this missense variant does not alter protein structure/function; In silico analysis suggests this variant may impact gene splicing. In the absence of RNA/functional studies, the actual effect of this sequence change is unknown.; Has not been previously published as pathogenic or benign to our knowledge

NM_020928.2(ZSWIM6):c.869A>G (p.Lys290Arg)

Gene: ZSWIM6 (zinc finger SWIM-type containing 6; plus strand). Cytogenetic location: 5q12.1.
Variant type: single nucleotide variant.
Coding change: c.869A>G on transcript NM_020928.2 (MANE Select); coding-DNA position 869, A replaced by G.
Protein change: p.Lys290Arg; replaces lysine 290 with arginine.
Molecular consequence: missense variant.
Genome position (GRCh38, 1-based): chr5:61,472,873, A>G. VCF-style: chr5-61472873-A-G. GRCh37 (hg19) VCF-style: chr5-60768700-A-G.
Other names: short protein forms K290R.
Identifiers: ClinVar variation 3370633 (VCV003370633.1).